The following is an entry in ClinVar:

Conditions:
Breast-ovarian cancer, familial, susceptibility to, 1 (BROVCA1). Also called: BRCA1 Hereditary Breast and Ovarian Cancer; OVARIAN CANCER, SUSCEPTIBILITY TO. Identifiers: Orphanet 145, MedGen C2676676, MONDO:0011450, OMIM 604370. Disease mechanism: loss of function.

Submission:

Brotman Baty Institute, University of Washington
No classification provided (evidence only). Condition: Breast-ovarian cancer, familial 1. Review status: no classification provided. Collection method: in vitro. Allele origin: not applicable. Functional consequence: functionally_normal.
ClinVar note: "not provided" was previously submitted as the classification for the variant. However, the classification appeared to be based only on an observation of functional data so it was converted to no classification on 2025-07-30.

NM_007294.4(BRCA1):c.5278-4C>A

Gene: BRCA1 (BRCA1 DNA repair associated; minus strand). Cytogenetic location: 17q21.31.
Variant type: single nucleotide variant.
Coding change: c.5278-4C>A on transcript NM_007294.4 (MANE Select); 4 bases into the intron before coding-DNA position 5278, C replaced by A.
Molecular consequence: intron variant.
Genome position (GRCh38, 1-based): chr17:43,051,121, G>T on the plus strand (C>A on the coding strand, the complement: BRCA1 is on the minus strand). VCF-style: chr17-43051121-G-T. GRCh37 (hg19) VCF-style: chr17-41203138-G-T.
Other names: c.1825-4C>A (NM_001408458.1, NM_001408461.1, NM_001408464.1 and 7 more transcripts); c.4387-4C>A (NM_001407967.1); c.4897-4C>A (NM_001407959.1); c.5011-4C>A (NM_001407931.1, NM_001407932.1, NM_001407928.1 and 4 more transcripts); c.5134-4C>A (NM_001407747.1, NM_001407745.1, NM_001407737.1 and 21 more transcripts); c.4894-4C>A (NM_001407962.1, NM_001407960.1); c.1465-4C>A (NM_001408512.1); c.1588-4C>A (NM_001408510.1); and 74 more.
Identifiers: ClinVar variation 867946 (VCV000867946.3), dbSNP rs2051215676, ClinGen allele CA916081050.
Genomic context (GRCh38, chr17:43,051,121, plus strand): 5'-ACCTGTGGGCATGTTGGTGAAGGGCCCATAGCAACAGATTTCTAGCCCCCTGAAGATCTG[G>T]AAGAAGAGAGGAAGAGAGAGGGACAGGGGAATGGAGAGAAGGAAAATCTAGTTATAAAAG-3'